The following is an entry in ClinVar:

ClinVar aggregate classification (germline): Uncertain significance. Review status: criteria provided, multiple submitters, no conflicts (2 of 4 stars). 2 submissions from 2 submitters: Uncertain significance (2). Last evaluated 2024-05-21.

Conditions:
Inborn genetic diseases. Identifiers: MedGen C0950123, MeSH D030342.

Allele frequency attached by ClinVar (database versions not stated): ExAC 0.00001; gnomAD exomes 0.00001; TOPMed 0.00001.
gnomAD v4.1: 23 of 1,614,146 alleles (0.0014%); highest among the groups gnomAD compares: Middle Eastern, 0.033%; no homozygotes.

Submissions (2):

Women's Health and Genetics/Laboratory Corporation of America, LabCorp
Classification: Uncertain significance. Last evaluated: 2024-05-21. Review status: criteria provided, single submitter. Criteria: LabCorp Variant Classification Summary - May 2015. Collection method: clinical testing. Allele origin: germline.
Comment: Variant summary: TTI1 c.1537C>T (p.His513Tyr) results in a conservative amino acid change in the encoded protein sequence. Five of five in-silico tools predict a benign effect of the variant on protein function. The variant allele was found at a frequency of 4e-06 in 251212 control chromosomes. The available data on variant occurrences in the general population are insufficient to allow any conclusion about variant significance. To our knowledge, no occurrence of c.1537C>T in individuals affected with Neurodevelopmental Disorder With Microcephaly And Movement Abnormalities and no experimental evidence demonstrating its impact on protein function have been reported. ClinVar contains an entry for this variant (Variation ID: 2231380). Based on the evidence outlined above, the variant was classified as uncertain significance.

Ambry Genetics
Classification: Uncertain significance for Inborn genetic diseases. Last evaluated: 2021-06-23. Review status: criteria provided, single submitter. Criteria: Ambry Variant Classification Scheme 2023. Collection method: clinical testing. Allele origin: germline.

NM_001303457.2(TTI1):c.1537C>T (p.His513Tyr)

Gene: TTI1 (TELO2 interacting protein 1; minus strand). Cytogenetic location: 20q11.23.
Variant type: single nucleotide variant.
Coding change: c.1537C>T on transcript NM_001303457.2 (MANE Select); coding-DNA position 1537, C replaced by T.
Protein change: p.His513Tyr; replaces histidine 513 with tyrosine.
Molecular consequence: missense variant.
Genome position (GRCh38, 1-based): chr20:38,012,280, G>A on the plus strand (C>T on the coding strand, the complement: TTI1 is on the minus strand). VCF-style: chr20-38012280-G-A. GRCh37 (hg19) VCF-style: chr20-36640682-G-A.
Other names: c.1537C>T, p.His513Tyr (NM_014657.3); short protein forms H513Y.
Identifiers: ClinVar variation 2231380 (VCV002231380.3), dbSNP rs754808837, ClinGen allele CA9849448.
Genomic context (GRCh38, chr20:38,012,280, plus strand): 5'-CCCCTGTAACCAGTTCATTAAGGATCATGGCAGCTTGCTTCCGGTAAACCACAGATTGAT[G>A]GTAAAGTTCCATAAAGTGATCCACAAGCAAATAAAGATTCCCATAATAACCAAGTAGCTG-3'
Protein context (NP_001290386.1, residues 503-523): LLVDHFMELY[His513Tyr]QSVVYRKQAA